The following is an entry in ClinVar:

NM_001197104.2(KMT2A):c.3191G>T (p.Arg1064Leu)

Gene: KMT2A (lysine methyltransferase 2A; plus strand). Cytogenetic location: 11q23.3.
Variant type: single nucleotide variant.
Coding change: c.3191G>T on transcript NM_001197104.2 (MANE Select); coding-DNA position 3191, G replaced by T.
Protein change: p.Arg1064Leu; replaces arginine 1064 with leucine.
Molecular consequence: missense variant.
Genome position (GRCh38, 1-based): chr11:118,476,839, G>T. VCF-style: chr11-118476839-G-T. GRCh37 (hg19) VCF-style: chr11-118347554-G-T.
Other names: c.3191G>T, p.Arg1064Leu (NM_005933.4); short protein forms R1064L.
Identifiers: ClinVar variation 1439296 (VCV001439296.6), dbSNP rs782755322, ClinGen allele CA6303634.

ClinVar aggregate classification (germline): Uncertain significance (1 of 4 stars; one submission).

Allele frequency attached by ClinVar (database versions not stated): ExAC 0.00001.

Submission:

Labcorp Genetics (formerly Invitae), Labcorp
Classification: Uncertain significance. Last evaluated: 2025-09-02. Review status: criteria provided, single submitter. Criteria: Invitae Variant Classification Sherloc (09022015). Collection method: clinical testing. Allele origin: germline.
Comment: This sequence change replaces arginine, which is basic and polar, with leucine, which is neutral and non-polar, at codon 1064 of the KMT2A protein (p.Arg1064Leu). This variant is present in population databases (rs782755322, gnomAD 0.007%). This missense change has been observed in individual(s) with neurodevelopmental disorders (PMID: 33004838). ClinVar contains an entry for this variant (Variation ID: 1439296). Invitae Evidence Modeling of protein sequence and biophysical properties (such as structural, functional, and spatial information, amino acid conservation, physicochemical variation, residue mobility, and thermodynamic stability) has been performed for this missense variant. However, the output from this modeling did not meet the statistical confidence thresholds required to predict the impact of this variant on KMT2A protein function. Algorithms developed to predict the effect of sequence changes on RNA splicing suggest that this variant may create or strengthen a splice site. In summary, the available evidence is currently insufficient to determine the role of this variant in disease. Therefore, it has been classified as a Variant of Uncertain Significance.

Literature cited by the submitters: PubMed 33004838.